The following is an entry in ClinVar:

ClinVar aggregate classification (germline): Uncertain significance (1 of 4 stars; one submission).

Submission:

GeneDx
Classification: Uncertain significance. Last evaluated: 2026-02-19. Review status: criteria provided, single submitter. Criteria: GeneDx Variant Classification Process June 2021. Collection method: clinical testing. Allele origin: germline.
Comment: Not observed at significant frequency in large population cohorts (gnomAD); In silico analysis supports that this missense variant has a deleterious effect on protein structure/function; Has not been previously published as pathogenic or benign to our knowledge

NM_001042681.2(RERE):c.2120A>G (p.Asp707Gly)

Gene: RERE (arginine-glutamic acid dipeptide repeats; minus strand). Cytogenetic location: 1p36.23.
Variant type: single nucleotide variant.
Coding change: c.2120A>G on transcript NM_001042681.2 (MANE Select); coding-DNA position 2120, A replaced by G.
Protein change: p.Asp707Gly; replaces aspartic acid 707 with glycine.
Molecular consequence: missense variant.
Genome position (GRCh38, 1-based): chr1:8,361,387, T>C on the plus strand (A>G on the coding strand, the complement: RERE is on the minus strand). VCF-style: chr1-8361387-T-C. GRCh37 (hg19) VCF-style: chr1-8421447-T-C.
Other names: c.458A>G, p.Asp153Gly (NM_001042682.2); c.2120A>G, p.Asp707Gly (NM_012102.4); short protein forms D153G, D707G.
Identifiers: ClinVar variation 5009814 (VCV005009814.1).
Genomic context (GRCh38, chr1:8,361,387, plus strand): 5'-GAGTCCGAGTCACTCTCATTGTCCTGGGGGCTGGGGATGCTCGGGGACGTGCTGCGATTG[T>C]CCTGGTCGATGTCTTTGGGGTCACTGCTACCCTCATCGTTGACGCTGCGACTGTCTGAAC-3'
Protein context (NP_001036146.1, residues 697-717): GSSDPKDIDQ[Asp707Gly]NRSTSPSIPS